The following is an entry in ClinVar:

ClinVar aggregate classification (germline): Uncertain significance (1 of 4 stars; one submission).

Submission:

Labcorp Genetics (formerly Invitae), Labcorp
Classification: Uncertain significance. Last evaluated: 2020-11-20. Review status: criteria provided, single submitter. Criteria: Invitae Variant Classification Sherloc (09022015). Collection method: clinical testing. Allele origin: germline.
Comment: This variant is not present in population databases (ExAC no frequency). This sequence change replaces glutamic acid with aspartic acid at codon 773 of the RNF43 protein (p.Glu773Asp). The glutamic acid residue is weakly conserved and there is a small physicochemical difference between glutamic acid and aspartic acid. This variant has not been reported in the literature in individuals with RNF43-related conditions. Algorithms developed to predict the effect of missense changes on protein structure and function are either unavailable or do not agree on the potential impact of this missense change (SIFT: "Tolerated"; PolyPhen-2: "Probably Damaging"; Align-GVGD: "Class C0"). In summary, the available evidence is currently insufficient to determine the role of this variant in disease. Therefore, it has been classified as a Variant of Uncertain Significance.

NM_017763.6(RNF43):c.2319G>C (p.Glu773Asp)

Gene: RNF43 (ring finger protein 43; minus strand). Cytogenetic location: 17q22.
Variant type: single nucleotide variant.
Coding change: c.2319G>C on transcript NM_017763.6 (MANE Select); coding-DNA position 2319, G replaced by C.
Protein change: p.Glu773Asp; replaces glutamic acid 773 with aspartic acid.
Molecular consequence: missense variant.
Genome position (GRCh38, 1-based): chr17:58,354,976, C>G on the plus strand (G>C on the coding strand, the complement: RNF43 is on the minus strand). VCF-style: chr17-58354976-C-G. GRCh37 (hg19) VCF-style: chr17-56432337-C-G.
Other names: c.2319G>C, p.Glu773Asp (NM_001305544.3); c.1938G>C, p.Glu646Asp (NM_001305545.2); short protein forms E646D, E773D.
Identifiers: ClinVar variation 1421889 (VCV001421889.8), dbSNP rs2143364986, ClinGen allele CA400384610.